The following is an entry in ClinVar:

NM_001382391.1(CSPP1):c.2821C>G (p.Pro941Ala)

Gene: CSPP1 (centrosome and spindle pole associated protein 1; plus strand). Cytogenetic location: 8q13.2.
Variant type: single nucleotide variant.
Coding change: c.2821C>G on transcript NM_001382391.1 (MANE Select); coding-DNA position 2821, C replaced by G.
Protein change: p.Pro941Ala; replaces proline 941 with alanine.
Molecular consequence: missense variant.
Genome position (GRCh38, 1-based): chr8:67,164,501, C>G. VCF-style: chr8-67164501-C-G. GRCh37 (hg19) VCF-style: chr8-68076736-C-G.
Other names: c.1771C>G, p.Pro591Ala (NM_001291339.2); c.2740C>G, p.Pro914Ala (NM_001363131.2); c.2626C>G, p.Pro876Ala (NM_001363132.2); c.2545C>G, p.Pro849Ala (NM_001363133.2); c.2887C>G, p.Pro963Ala (NM_001364869.1); c.2707C>G, p.Pro903Ala (NM_001364870.1); c.2806C>G, p.Pro936Ala (NM_024790.7); short protein forms P876A, P936A, P941A, P591A, P849A, P914A, P963A, P903A.
Identifiers: ClinVar variation 2108976 (VCV002108976.4), dbSNP rs1314777791, ClinGen allele CA371193558.

ClinVar aggregate classification (germline): Uncertain significance (1 of 4 stars; one submission).

Conditions:
Joubert syndrome 21 (JBTS21). Identifiers: MedGen C3810212, MONDO:0014288, OMIM 615636.

Submission:

Labcorp Genetics (formerly Invitae), Labcorp
Classification: Uncertain significance for Joubert syndrome 21. Last evaluated: 2022-03-11. Review status: criteria provided, single submitter. Criteria: Invitae Variant Classification Sherloc (09022015). Collection method: clinical testing. Allele origin: germline.
Comment: In summary, the available evidence is currently insufficient to determine the role of this variant in disease. Therefore, it has been classified as a Variant of Uncertain Significance. Algorithms developed to predict the effect of missense changes on protein structure and function (SIFT, PolyPhen-2, Align-GVGD) all suggest that this variant is likely to be tolerated. This variant has not been reported in the literature in individuals affected with CSPP1-related conditions. This variant is not present in population databases (gnomAD no frequency). This sequence change replaces proline, which is neutral and non-polar, with alanine, which is neutral and non-polar, at codon 936 of the CSPP1 protein (p.Pro936Ala).